The following is an entry in ClinVar:

NM_003998.4(NFKB1):c.357_358del (p.Cys119_Glu120delinsTer)

Gene: NFKB1 (nuclear factor kappa B subunit 1; plus strand). Cytogenetic location: 4q24.
Variant type: Microsatellite.
Coding change: c.357_358del on transcript NM_003998.4 (MANE Select); coding-DNA positions 357 to 358, 2 bases deleted (TG; older notation c.357_358delTG).
Protein change: p.Cys119_Glu120delinsTer.
Molecular consequence: nonsense.
Genome position (GRCh38, 1-based): chr4:102,567,085-102,567,086, TG deleted; deleting any 2 consecutive bases within chr4:102,567,083-102,567,086 gives the same sequence; the c. name uses the placement nearest the transcript's 3' end. VCF-style (leftmost placement, unchanged base first): chr4-102567082-CTG-C. GRCh37 (hg19) VCF-style: chr4-103488239-CTG-C.
Other names: c.354_355del, p.Cys118_Glu119delinsTer (NM_001165412.2, NM_001319226.2, NM_001382627.1); c.357_358del, p.Cys119_Glu120delinsTer (NM_001382625.1, NM_001382626.1); c.315_316del, p.Cys105_Glu106delinsTer (NM_001382628.1).
Identifiers: ClinVar variation 1355449 (VCV001355449.6), dbSNP rs2149168276, ClinGen allele CA2580616128.

ClinVar aggregate classification (germline): Pathogenic (1 of 4 stars; one submission).

Submission:

Labcorp Genetics (formerly Invitae), Labcorp
Classification: Pathogenic. Last evaluated: 2021-02-02. Review status: criteria provided, single submitter. Criteria: Invitae Variant Classification Sherloc (09022015). Collection method: clinical testing. Allele origin: germline.
Comment: For these reasons, this variant has been classified as Pathogenic. This variant has not been reported in the literature in individuals with NFKB1-related conditions. This variant is not present in population databases (ExAC no frequency). This sequence change creates a premature translational stop signal (p.Cys119*) in the NFKB1 gene. It is expected to result in an absent or disrupted protein product. Loss-of-function variants in NFKB1 are known to be pathogenic (PMID: 26279205, 29477724).

Literature cited by the submitters: PubMed 26279205; PubMed 29477724.